The following is an entry in ClinVar:

NC_000015.9:g.(?_91341410)_(91358509_?)dup

Gene: BLM (BLM RecQ like helicase; plus strand). Cytogenetic location: 15q26.1.
Variant type: Duplication.
Identifiers: ClinVar variation 2422260 (VCV002422260.4).

ClinVar aggregate classification (germline): Uncertain significance (1 of 4 stars; one submission).

Conditions:
Bloom syndrome (BLM). Also called: Bloom-Torre-Machacek syndrome. Identifiers: Orphanet 125, MedGen C0005859, MONDO:0008876, OMIM 210900.

Submission:

Labcorp Genetics (formerly Invitae), Labcorp
Classification: Uncertain significance for Bloom syndrome. Last evaluated: 2022-09-21. Review status: criteria provided, single submitter. Criteria: Invitae Variant Classification Sherloc (09022015). Collection method: clinical testing. Allele origin: germline.
Comment: This variant results in a copy number gain of the genomic region encompassing exon(s) 17-22 of the BLM gene. This region includes the termination codon of the gene. This copy number gain extends beyond the assayed region for this gene and therefore may encompass additional genes. As the precise location of this event is unknown, it may be in tandem or it may be located elsewhere in the genome. This variant has not been reported in the literature in individuals affected with BLM-related conditions. In summary, the available evidence is currently insufficient to determine the role of this variant in disease. Therefore, it has been classified as a Variant of Uncertain Significance.